The following is an entry in ClinVar:

ClinVar aggregate classification (germline): Likely benign. Review status: reviewed by expert panel (3 of 4 stars). 8 submissions from 8 submitters: Likely benign (1). 7 of the submissions do not count toward it. Last evaluated 2017-04-18.

Conditions:
SOS1-related disorder. Also called: SOS1-related condition.
Cardiovascular phenotype. Identifiers: MedGen CN230736.
RASopathy. Also called: rasopathies; Noonan spectrum disorder. Identifiers: Orphanet 536391, MedGen C5555857, MONDO:0021060.
Noonan syndrome (NS). Also called: Noonan's syndrome. Identifiers: Orphanet 648, MedGen C0028326, MeSH D009634, MONDO:0018997. Disease mechanism: gain of function.

Allele frequency attached by ClinVar (database versions not stated): gnomAD exomes 0.00003 and 0.00001; ExAC 0.00005; gnomAD 0.00007 and 0.00009; TOPMed 0.00011; ESP Exome Variant Server 0.00023.
gnomAD v4.1: 21 of 1,612,358 alleles (0.0013%); highest among the groups gnomAD compares: African/African-American, 0.023%; no homozygotes.

Submissions (8):

ClinGen RASopathy Variant Curation Expert Panel
Classification: Likely benign for Noonan syndrome and Noonan-related syndrome. Last evaluated: 2017-04-18. Review status: reviewed by expert panel. Criteria: ClinGen RASopathy ACMG Specifications v1. Collection method: curation. Allele origin: germline. Inheritance: Autosomal dominant inheritance.
Comment: The filtering allele frequency of the c.280A>G (p.Ile94Val) variant in the SOS1 gene is 0.0253% (6/10300) of African chromosomes by the Exome Aggregation Consortium, which is a high enough frequency to be classified as likely benign based on thresholds defined by the ClinGen RASopathy Expert Panel (BS1; PMID:29493581)

Labcorp Genetics (formerly Invitae), Labcorp
Classification: Likely benign for RASopathy. Last evaluated: 2025-12-23. Review status: criteria provided, single submitter. Criteria: Invitae Variant Classification Sherloc (09022015). Collection method: clinical testing. Allele origin: germline. Not counted in ClinVar's aggregate classification.

Mayo Clinic Laboratories, Mayo Clinic
Classification: Likely benign. Last evaluated: 2025-06-03. Review status: criteria provided, single submitter. Criteria: ACMG Guidelines, 2015. Collection method: clinical testing. Allele origin: germline. Observed: 1 variant allele. Not counted in ClinVar's aggregate classification.
Comment: BS1

PreventionGenetics, part of Exact Sciences
Classification: Likely benign for SOS1-related condition. Last evaluated: 2025-05-07. Review status: criteria provided, single submitter. Criteria: ACMG Guidelines, 2015. Collection method: clinical testing. Allele origin: germline. Not counted in ClinVar's aggregate classification.
Comment: This variant is classified as likely benign based on ACMG/AMP sequence variant interpretation guidelines (Richards et al. 2015 PMID: 25741868, with internal and published modifications).

GeneDx
Classification: Likely benign. Last evaluated: 2020-10-08. Review status: criteria provided, single submitter. Criteria: GeneDx Variant Classification Process June 2021. Collection method: clinical testing. Allele origin: germline. Affected: yes. Not counted in ClinVar's aggregate classification.

St. Jude Molecular Pathology, St. Jude Children's Research Hospital
Classification: Likely benign for Noonan syndrome. Last evaluated: 2020-09-22. Review status: criteria provided, single submitter. Criteria: St. Jude Assertion Criteria 2020. Collection method: clinical testing. Allele origin: germline. Not counted in ClinVar's aggregate classification.
Comment: The c.280A>G missense variant has a frequency of 0.0005213 (13 of 24,938 alleles) in the African subpopulation in gnomAD v2.1.1. This is a high enough frequency to be classified as likely benign based on thresholds defined by the ClinGen RASopathy Expert Panel for autosomal dominant RASopathy variants (BS1). In silico tools are not in agreement regarding the effect of this variant on protein function and functional assays have not been performed. This variant has been classified as likely benign by the ClinGen RASopathy Variant Curation Expert Panel (SCV000616526.3). In summary, this variant meets criteria to be classified as likely benign based on the ACMG/AMP criteria, as specified by the ClinGen RASopathy Variant Curation Expert Panel (PMID:29493581): BS1.

Ambry Genetics
Classification: Likely benign for Cardiovascular phenotype. Last evaluated: 2019-12-05. Review status: criteria provided, single submitter. Criteria: Ambry Variant Classification Scheme 2023. Collection method: clinical testing. Allele origin: germline. Not counted in ClinVar's aggregate classification.

Service de Génétique Moléculaire, Hôpital Robert Debré
Classification: Uncertain significance for Noonan syndrome. Review status: no assertion criteria provided. Collection method: clinical testing. Allele origin: unknown. Affected: yes. Not counted in ClinVar's aggregate classification.

NM_005633.4(SOS1):c.280A>G (p.Ile94Val)

Gene: SOS1 (SOS Ras/Rac guanine nucleotide exchange factor 1; minus strand). Cytogenetic location: 2p22.1.
Variant type: single nucleotide variant.
Coding change: c.280A>G on transcript NM_005633.4 (MANE Select); coding-DNA position 280, A replaced by G.
Protein change: p.Ile94Val; replaces isoleucine 94 with valine.
Molecular consequence: missense variant.
Genome position (GRCh38, 1-based): chr2:39,058,738, T>C on the plus strand (A>G on the coding strand, the complement: SOS1 is on the minus strand). VCF-style: chr2-39058738-T-C. GRCh37 (hg19) VCF-style: chr2-39285879-T-C.
Other names: NM_005633.3(SOS1):c.280A>G; c.259A>G, p.Ile87Val (NM_001382394.1); c.280A>G, p.Ile94Val (NM_001382395.1); short protein forms I94V, I87V.
Identifiers: ClinVar variation 448945 (VCV000448945.15), dbSNP rs144757941, ClinGen allele CA1624825.